The following is an entry in ClinVar:

NM_032242.4(PLXNA1):c.2261G>A (p.Arg754His)

Gene: PLXNA1 (plexin A1; plus strand). Cytogenetic location: 3q21.3.
Variant type: single nucleotide variant.
Coding change: c.2261G>A on transcript NM_032242.4 (MANE Select); coding-DNA position 2261, G replaced by A.
Protein change: p.Arg754His; replaces arginine 754 with histidine.
Molecular consequence: missense variant.
Genome position (GRCh38, 1-based): chr3:127,012,106, G>A. VCF-style: chr3-127012106-G-A. GRCh37 (hg19) VCF-style: chr3-126730949-G-A.
Other names: short protein forms R754H.
Identifiers: ClinVar variation 4140061 (VCV004140061.2).

ClinVar aggregate classification (germline): Uncertain significance. Review status: criteria provided, multiple submitters, no conflicts (2 of 4 stars). 2 submissions from 2 submitters: Uncertain significance (2). Last evaluated 2026-03-30.

Conditions:
PLXNA1-related disorder. Also called: PLXNA1-related condition.

Submissions (2):

PreventionGenetics, part of Exact Sciences
Classification: Uncertain significance for PLXNA1-related condition. Last evaluated: 2026-03-30. Review status: criteria provided, single submitter. Criteria: ACMG Guidelines, 2015. Collection method: clinical testing. Allele origin: germline.
Comment: The PLXNA1 c.2261G>A variant is predicted to result in the amino acid substitution p.Arg754His. To our knowledge, this variant has not been reported in the literature. This variant is reported in 0.0085% of alleles in individuals of Latino descent in gnomAD. At this time, the clinical significance of this variant is uncertain due to the absence of conclusive functional and genetic evidence.

Ambry Genetics
Classification: Uncertain significance. Last evaluated: 2025-08-04. Review status: criteria provided, single submitter. Criteria: Ambry Variant Classification Scheme 2023. Collection method: clinical testing. Allele origin: germline.